The following is an entry in ClinVar:

ClinVar aggregate classification (germline): Likely pathogenic (1 of 4 stars; one submission).

Submission:

Labcorp Genetics (formerly Invitae), Labcorp
Classification: Likely pathogenic. Last evaluated: 2023-08-16. Review status: criteria provided, single submitter. Criteria: Invitae Variant Classification Sherloc (09022015). Collection method: clinical testing. Allele origin: germline.
Comment: This sequence change affects a donor splice site in intron 35 of the PCNT gene. It is expected to disrupt RNA splicing. Variants that disrupt the donor or acceptor splice site typically lead to a loss of protein function (PMID: 16199547), and loss-of-function variants in PCNT are known to be pathogenic (PMID: 18174396, 22821869). This variant is not present in population databases (gnomAD no frequency). Disruption of this splice site has been observed in individual(s) with microcephalic osteodysplastic primordial dwarfism type 2 (PMID: 18174396). Algorithms developed to predict the effect of sequence changes on RNA splicing suggest that this variant may disrupt the consensus splice site. In summary, the currently available evidence indicates that the variant is pathogenic, but additional data are needed to prove that conclusively. Therefore, this variant has been classified as Likely Pathogenic.

Literature cited by the submitters: PubMed 16199547; PubMed 18174396; PubMed 22821869.

NM_006031.6(PCNT):c.7690+1G>T

Gene: PCNT (pericentrin; plus strand). Cytogenetic location: 21q22.3.
Variant type: single nucleotide variant.
Coding change: c.7690+1G>T on transcript NM_006031.6 (MANE Select); the canonical splice donor site of the intron after coding-DNA position 7690, G replaced by T.
Molecular consequence: splice donor variant.
Genome position (GRCh38, 1-based): chr21:46,428,591, G>T. VCF-style: chr21-46428591-G-T. GRCh37 (hg19) VCF-style: chr21-47848505-G-T.
Other names: c.7336+1G>T (NM_001315529.2).
Identifiers: ClinVar variation 2752973 (VCV002752973.3), dbSNP rs2518972061, ClinGen allele CA410570767.